The following is an entry in ClinVar:

ClinVar aggregate classification (germline): Uncertain significance (1 of 4 stars; one submission).

Submission:

Women's Health and Genetics/Laboratory Corporation of America, LabCorp
Classification: Uncertain significance. Last evaluated: 2024-08-05. Review status: criteria provided, single submitter. Criteria: LabCorp Variant Classification Summary - May 2015. Collection method: clinical testing. Allele origin: germline.
Comment: Variant summary: PDX1 c.571A>G (p.Lys191Glu) results in a conservative amino acid change located in the Homeo domain of the encoded protein sequence. Four of five in-silico tools predict a damaging effect of the variant on protein function. The variant was absent in 251330 control chromosomes. The available data on variant occurrences in the general population are insufficient to allow any conclusion about variant significance. To our knowledge, no occurrence of c.571A>G in individuals affected with Familial Monogenic Diabetes (Maturity Onset Diabetes Of The Young 4)/Neonatal Diabetes Mellitus and no experimental evidence demonstrating its impact on protein function have been reported. No submitters have cited clinical-significance assessments for this variant to ClinVar. Based on the evidence outlined above, the variant was classified as uncertain significance.

NM_000209.4(PDX1):c.571A>G (p.Lys191Glu)

Gene: PDX1 (pancreatic and duodenal homeobox 1; plus strand). Cytogenetic location: 13q12.2.
Variant type: single nucleotide variant.
Coding change: c.571A>G on transcript NM_000209.4 (MANE Select); coding-DNA position 571, A replaced by G.
Protein change: p.Lys191Glu; replaces lysine 191 with glutamic acid.
Molecular consequence: missense variant.
Genome position (GRCh38, 1-based): chr13:27,924,420, A>G. VCF-style: chr13-27924420-A-G. GRCh37 (hg19) VCF-style: chr13-28498557-A-G.
Other names: short protein forms K191E.
Identifiers: ClinVar variation 3366503 (VCV003366503.1).